The following is an entry in ClinVar:

ClinVar aggregate classification (germline): Uncertain significance (1 of 4 stars; one submission).

Conditions:
Muscular dystrophy-dystroglycanopathy (congenital with brain and eye anomalies), type a, 11 (MDDGA11). Also called: WALKER-WARBURG SYNDROME OR MUSCLE-EYE-BRAIN DISEASE, B3GALNT2-RELATED; Congenital muscular dystrophy-dystroglycanopathy with brain and eye anomalies, type A11; Muscular dystrophy-dystroglycanopathy (congenital with brain and eye anomalies, type A, 11. Identifiers: Orphanet 588, Orphanet 899, MedGen C3554638, MONDO:0014071, OMIM 615181.

Submission:

Labcorp Genetics (formerly Invitae), Labcorp
Classification: Uncertain significance for Muscular dystrophy-dystroglycanopathy (congenital with brain and eye anomalies), type a, 11. Last evaluated: 2022-10-25. Review status: criteria provided, single submitter. Criteria: Invitae Variant Classification Sherloc (09022015). Collection method: clinical testing. Allele origin: germline.
Comment: In summary, the available evidence is currently insufficient to determine the role of this variant in disease. Therefore, it has been classified as a Variant of Uncertain Significance. This variant has not been reported in the literature in individuals affected with B3GALNT2-related conditions. This variant results in a copy number gain of the genomic region encompassing exon(s) 7-12 of the B3GALNT2 gene. This region includes the termination codon of the gene. This copy number gain extends beyond the assayed region for this gene and therefore may encompass additional genes. As the precise location of this event is unknown, it may be in tandem or it may be located elsewhere in the genome.

NC_000001.10:g.(?_235613511)_(235629041_?)dup

Gene: B3GALNT2 (beta-1,3-N-acetylgalactosaminyltransferase 2; minus strand). Cytogenetic location: 1q42.3.
Variant type: Duplication.
Identifiers: ClinVar variation 1038060 (VCV001038060.7).